The following is an entry in ClinVar:

ClinVar aggregate classification (germline): Uncertain significance (1 of 4 stars; one submission).

Submission:

GeneDx
Classification: Uncertain significance. Last evaluated: 2023-05-15. Review status: criteria provided, single submitter. Criteria: GeneDx Variant Classification Process June 2021. Collection method: clinical testing. Allele origin: germline. Affected: yes.
Comment: Not observed at significant frequency in large population cohorts (gnomAD); In silico analysis supports that this missense variant has a deleterious effect on protein structure/function; Has not been previously published as pathogenic or benign to our knowledge

NM_001039591.3(USP9X):c.3781A>T (p.Asn1261Tyr)

Gene: USP9X (ubiquitin specific peptidase 9 X-linked; plus strand). Cytogenetic location: Xp11.4.
Variant type: single nucleotide variant.
Coding change: c.3781A>T on transcript NM_001039591.3 (MANE Select); coding-DNA position 3781, A replaced by T.
Protein change: p.Asn1261Tyr; replaces asparagine 1261 with tyrosine.
Molecular consequence: missense variant.
Genome position (GRCh38, 1-based): chrX:41,188,088, A>T. VCF-style: chrX-41188088-A-T. GRCh37 (hg19) VCF-style: chrX-41047341-A-T.
Other names: c.3781A>T, p.Asn1261Tyr (NM_001039590.3); c.3796A>T, p.Asn1266Tyr (NM_001410748.1, NM_001410749.1); short protein forms N1261Y, N1266Y.
Identifiers: ClinVar variation 3343470 (VCV003343470.1).
Genomic context (GRCh38, chrX:41,188,088, plus strand): 5'-GCTATACAAAAAATTATCTGGGCATCAGGATGTGGGTCGTTACAGCTAGTATTTAGCCCA[A>T]ATGAAGAAATCACTAAAATTTATGAGAAGGTAAGAATTATCACAGAACTATATTCCTTGT-3'
Protein context (NP_001034680.2, residues 1251-1271): CGSLQLVFSP[Asn1261Tyr]EEITKIYEKT